The following is an entry in ClinVar:

ClinVar aggregate classification (germline): Likely benign. Review status: criteria provided, multiple submitters, no conflicts (2 of 4 stars). 2 submissions from 2 submitters: Likely benign (2). Last evaluated 2025-03-18.

Conditions:
DPM1-related disorder. Also called: DPM1-related condition.

Submissions (2):

PreventionGenetics, part of Exact Sciences
Classification: Likely benign for DPM1-related condition. Last evaluated: 2025-03-18. Review status: criteria provided, single submitter. Criteria: ACMG Guidelines, 2015. Collection method: clinical testing. Allele origin: germline.
Comment: This variant is classified as likely benign based on ACMG/AMP sequence variant interpretation guidelines (Richards et al. 2015 PMID: 25741868, with internal and published modifications).

Blueprint Genetics
Classification: Likely benign. Last evaluated: 2023-09-11. Review status: criteria provided, single submitter. Criteria: ACMG Guidelines, 2015. Collection method: clinical testing. Allele origin: germline.

NM_003859.3(DPM1):c.679-5del

Genes: ADNP-AS1 (ADNP antisense RNA 1; plus strand), DPM1 (dolichyl-phosphate mannosyltransferase subunit 1, catalytic; minus strand). Cytogenetic location: 20q13.13.
Variant type: Deletion.
Coding change: c.679-5del on transcript NM_003859.3 (MANE Select); 5 bases into the intron before coding-DNA position 679, one base deleted (A; older notation c.679-5delA).
Molecular consequence: intron variant.
Genome position (GRCh38, 1-based): chr20:50,935,241, T deleted on the plus strand (A on the coding strand, the reverse complement: DPM1 is on the minus strand); the first of 3 consecutive T bases (chr20:50,935,241-50,935,243); deleting any one gives the same sequence. VCF-style (leftmost placement, unchanged base first): chr20-50935240-GT-G. GRCh37 (hg19) VCF-style: chr20-49551777-GT-G.
Other names: c.679-5delA (NM_003859.2); c.610-5del (NM_001317036.1); c.760-5del (NM_001317035.1); c.784-5del (NM_001317034.1).
Identifiers: ClinVar variation 4945326 (VCV004945326.2).